The following is an entry in ClinVar:

NM_015122.3(FCHO1):c.887G>T (p.Arg296Leu)

Gene: FCHO1 (FCH and mu domain containing endocytic adaptor 1; plus strand). Cytogenetic location: 19p13.11.
Variant type: single nucleotide variant.
Coding change: c.887G>T on transcript NM_015122.3 (MANE Select); coding-DNA position 887, G replaced by T.
Protein change: p.Arg296Leu; replaces arginine 296 with leucine.
Molecular consequence: missense variant. On other transcripts: non-coding transcript variant (36).
Genome position (GRCh38, 1-based): chr19:17,774,445, G>T. VCF-style: chr19-17774445-G-T. GRCh37 (hg19) VCF-style: chr19-17885254-G-T.
Other names: c.887G>T, p.Arg296Leu (NM_001161357.2, NM_001161358.2, NM_001384370.1 and 25 more transcripts); c.737G>T, p.Arg246Leu (NM_001161359.2, NM_001384384.1, NM_001384385.1 and 3 more transcripts); c.848G>T, p.Arg283Leu (NM_001384388.1, NM_001384389.1, NM_001384405.1); c.812G>T, p.Arg271Leu (NM_001384390.1); c.842G>T, p.Arg281Leu (NM_001384403.1); short protein forms R246L, R271L, R296L, R281L, R283L.
Identifiers: ClinVar variation 1396762 (VCV001396762.5), dbSNP rs530821806, ClinGen allele CA306114021.
Genomic context (GRCh38, chr19:17,774,445, plus strand): 5'-TATCCTCAGCGATGAAACGTTTGCGGGGAGCCAAGGCCTTTCGCCTTCCAGGACTAAGCC[G>T]GCGGGAGCGGGAGCCAGAGCCACCTGCAGCTGTGTGAGGAAGCACCCCTGCCCGGTCTGG-3'
Protein context (NP_055937.1, residues 286-306): AKAFRLPGLS[Arg296Leu]REREPEPPAA

ClinVar aggregate classification (germline): Uncertain significance (1 of 4 stars; one submission).

Allele frequency attached by ClinVar (database versions not stated): TOPMed 0.00002.
gnomAD v4.1: 12 of 1,613,558 alleles (0.00074%); highest among the groups gnomAD compares: Admixed American, 0.0017%; no homozygotes.

Submission:

Labcorp Genetics (formerly Invitae), Labcorp
Classification: Uncertain significance. Last evaluated: 2024-09-24. Review status: criteria provided, single submitter. Criteria: Invitae Variant Classification Sherloc (09022015). Collection method: clinical testing. Allele origin: germline.
Comment: This sequence change replaces arginine, which is basic and polar, with leucine, which is neutral and non-polar, at codon 296 of the FCHO1 protein (p.Arg296Leu). This variant is present in population databases (rs530821806, gnomAD 0.01%). This variant has not been reported in the literature in individuals affected with FCHO1-related conditions. ClinVar contains an entry for this variant (Variation ID: 1396762). An algorithm developed to predict the effect of missense changes on protein structure and function (PolyPhen-2) suggests that this variant is likely to be disruptive. In summary, the available evidence is currently insufficient to determine the role of this variant in disease. Therefore, it has been classified as a Variant of Uncertain Significance.